The following is an entry in ClinVar:

NM_001371623.1(TCOF1):c.4374GAA[1] (p.Lys1460_Lys1461del)

Gene: TCOF1 (treacle ribosome biogenesis factor 1; plus strand). Cytogenetic location: 5q32.
Variant type: Microsatellite.
Coding change: c.4374GAA[1] on transcript NM_001371623.1 (MANE Select); one copy of the 3-base unit GAA starting at c.4374; the reference has three copies in a row; two copies, 6 bases deleted.
Protein change: p.Lys1460_Lys1461del.
Molecular consequence: inframe deletion.
Genome position (GRCh38, 1-based): chr5:150,398,385-150,398,390, GAAGAA deleted; deleting any 6 consecutive bases within chr5:150,398,380-150,398,390 gives the same sequence; the position shown is the placement nearest the transcript's 3' end. VCF-style (leftmost placement, unchanged base first): chr5-150398379-AAAGAAG-A. GRCh37 (hg19) VCF-style: chr5-149777942-AAAGAAG-A.
Other names: c.4140GAA[1], p.Lys1382_Lys1383del (NM_000356.4); c.4371GAA[1], p.Lys1459_Lys1460del (NM_001135243.2); c.4260GAA[1], p.Lys1422_Lys1423del (NM_001135244.2); c.4143GAA[1], p.Lys1383_Lys1384del (NM_001135245.2); c.4257GAA[1], p.Lys1421_Lys1422del (NM_001195141.2); c.4374_4379delGAAGAA (NM_001135243.1).
Identifiers: ClinVar variation 663739 (VCV000663739.9), dbSNP rs151344581, ClinGen allele CA3511749.

ClinVar aggregate classification (germline): Uncertain significance (1 of 4 stars; one submission).

Conditions:
Treacher Collins syndrome 1 (TCS1). Also called: TCOF1-Related Treacher Collins Syndrome. Identifiers: Orphanet 861, MedGen CN315775, MONDO:0007944, OMIM 154500.

Submission:

Labcorp Genetics (formerly Invitae), Labcorp
Classification: Uncertain significance for Treacher Collins syndrome 1. Last evaluated: 2025-03-31. Review status: criteria provided, single submitter. Criteria: Invitae Variant Classification Sherloc (09022015). Collection method: clinical testing. Allele origin: germline.
Comment: This variant, c.4374_4379del, results in the deletion of 2 amino acid(s) of the TCOF1 protein (p.Lys1459_Lys1460del), but otherwise preserves the integrity of the reading frame. The frequency data for this variant in the population databases is considered unreliable, as metrics indicate poor data quality at this position in the gnomAD database. This variant has not been reported in the literature in individuals affected with TCOF1-related conditions. Experimental studies and prediction algorithms are not available or were not evaluated, and the functional significance of this variant is currently unknown. In summary, the available evidence is currently insufficient to determine the role of this variant in disease. Therefore, it has been classified as a Variant of Uncertain Significance.